The following is an entry in ClinVar:

NM_000218.3(KCNQ1):c.1182del (p.Tyr395fs)

Gene: KCNQ1 (potassium voltage-gated channel subfamily Q member 1; plus strand). Cytogenetic location: 11p15.5.
Variant type: Deletion.
Coding change: c.1182del on transcript NM_000218.3 (MANE Select); coding-DNA position 1182, one base deleted (C; older notation c.1182delC).
Protein change: p.Tyr395fs; shifts the reading frame from tyrosine 395.
Molecular consequence: frameshift variant.
Genome position (GRCh38, 1-based): chr11:2,587,623, C deleted. VCF-style (leftmost placement, unchanged base first): chr11-2587622-TC-T. GRCh37 (hg19) VCF-style: chr11-2608852-TC-T.
Other names: c.1086delC, p.Tyr363Thrfs (NM_001406836.1); c.912delC, p.Tyr305Thrfs (NM_001406837.1); c.642delC, p.Tyr215Thrfs (NM_001406838.1); c.801delC, p.Tyr268Thrfs (NM_181798.2); short protein forms Y268fs, Y395fs.
Identifiers: ClinVar variation 1076090 (VCV001076090.8), dbSNP rs2133758295, ClinGen allele CA2499220873.

ClinVar aggregate classification (germline): Pathogenic (1 of 4 stars; one submission).

Conditions:
Long QT syndrome (LQTS). Identifiers: MedGen C0023976, MeSH D008133, MONDO:0002442. Disease mechanism: loss of function. Inheritance: Various modes of inheritance.

Submission:

Labcorp Genetics (formerly Invitae), Labcorp
Classification: Pathogenic for Long QT syndrome. Last evaluated: 2020-04-07. Review status: criteria provided, single submitter. Criteria: Invitae Variant Classification Sherloc (09022015). Collection method: clinical testing. Allele origin: germline.
Comment: For these reasons, this variant has been classified as Pathogenic. Loss-of-function variants in KCNQ1 are known to be pathogenic (PMID: 9323054, 19862833). This variant has not been reported in the literature in individuals with KCNQ1-related conditions. This variant is not present in population databases (ExAC no frequency). This sequence change creates a premature translational stop signal (p.Tyr395Thrfs*24) in the KCNQ1 gene. It is expected to result in an absent or disrupted protein product.

Literature cited by the submitters: PubMed 9323054; PubMed 19862833.